The following is an entry in ClinVar:

NM_003659.4(AGPS):c.1382A>G (p.Asn461Ser)

Gene: AGPS (alkylglycerone phosphate synthase; plus strand). Cytogenetic location: 2q31.2.
Variant type: single nucleotide variant.
Coding change: c.1382A>G on transcript NM_003659.4 (MANE Select); coding-DNA position 1382, A replaced by G.
Protein change: p.Asn461Ser; replaces asparagine 461 with serine.
Molecular consequence: missense variant.
Genome position (GRCh38, 1-based): chr2:177,499,637, A>G. VCF-style: chr2-177499637-A-G. GRCh37 (hg19) VCF-style: chr2-178364365-A-G.
Other names: short protein forms N461S.
Identifiers: ClinVar variation 1364185 (VCV001364185.9), dbSNP rs1688502144, ClinGen allele CA349365113.

ClinVar aggregate classification (germline): Uncertain significance (1 of 4 stars; one submission).

Allele frequency attached by ClinVar (database versions not stated): gnomAD exomes below 0.00001; TOPMed below 0.00001.
gnomAD v4.1: 3 of 1,610,822 alleles (0.00019%); highest among the groups gnomAD compares: Non-Finnish European, 0.00025%; no homozygotes.

Submission:

Labcorp Genetics (formerly Invitae), Labcorp
Classification: Uncertain significance. Last evaluated: 2022-07-06. Review status: criteria provided, single submitter. Criteria: Invitae Variant Classification Sherloc (09022015). Collection method: clinical testing. Allele origin: germline.
Comment: This sequence change replaces asparagine, which is neutral and polar, with serine, which is neutral and polar, at codon 461 of the AGPS protein (p.Asn461Ser). This variant is not present in population databases (gnomAD no frequency). This variant has not been reported in the literature in individuals affected with AGPS-related conditions. ClinVar contains an entry for this variant (Variation ID: 1364185). Algorithms developed to predict the effect of missense changes on protein structure and function are either unavailable or do not agree on the potential impact of this missense change (SIFT: "Deleterious"; PolyPhen-2: "Benign"; Align-GVGD: "Class C0"). In summary, the available evidence is currently insufficient to determine the role of this variant in disease. Therefore, it has been classified as a Variant of Uncertain Significance.